The following is an entry in ClinVar:

ClinVar aggregate classification (germline): Uncertain significance (1 of 4 stars; one submission).

Submission:

Labcorp Genetics (formerly Invitae), Labcorp
Classification: Uncertain significance. Last evaluated: 2021-11-02. Review status: criteria provided, single submitter. Criteria: Invitae Variant Classification Sherloc (09022015). Collection method: clinical testing. Allele origin: germline.
Comment: This variant is not present in population databases (gnomAD no frequency). In summary, the available evidence is currently insufficient to determine the role of this variant in disease. Therefore, it has been classified as a Variant of Uncertain Significance. Algorithms developed to predict the effect of missense changes on protein structure and function are either unavailable or do not agree on the potential impact of this missense change (SIFT: "Deleterious"; PolyPhen-2: "Probably Damaging"; Align-GVGD: "Class C0"). This variant has not been reported in the literature in individuals affected with ATP6V1B1-related conditions. This sequence change replaces leucine, which is neutral and non-polar, with proline, which is neutral and non-polar, at codon 486 of the ATP6V1B1 protein (p.Leu486Pro).

NM_001692.4(ATP6V1B1):c.1457T>C (p.Leu486Pro)

Gene: ATP6V1B1 (ATPase H+ transporting V1 subunit B1; plus strand). Cytogenetic location: 2p13.3.
Variant type: single nucleotide variant.
Coding change: c.1457T>C on transcript NM_001692.4 (MANE Select); coding-DNA position 1457, T replaced by C.
Protein change: p.Leu486Pro; replaces leucine 486 with proline.
Molecular consequence: missense variant.
Genome position (GRCh38, 1-based): chr2:70,965,036, T>C. VCF-style: chr2-70965036-T-C. GRCh37 (hg19) VCF-style: chr2-71192166-T-C.
Other names: short protein forms L486P.
Identifiers: ClinVar variation 1390833 (VCV001390833.6), dbSNP rs2104834830, ClinGen allele CA347189595.